The following is an entry in ClinVar:

NM_005297.4(MCHR1):c.312G>A (p.Met104Ile)

Gene: MCHR1 (melanin concentrating hormone receptor 1; plus strand). Cytogenetic location: 22q13.2.
Variant type: single nucleotide variant.
Coding change: c.312G>A on transcript NM_005297.4 (MANE Select); coding-DNA position 312, G replaced by A.
Protein change: p.Met104Ile; replaces methionine 104 with isoleucine.
Molecular consequence: missense variant.
Genome position (GRCh38, 1-based): chr22:40,681,178, G>A. VCF-style: chr22-40681178-G-A. GRCh37 (hg19) VCF-style: chr22-41077182-G-A.
Other names: short protein forms M104I.
Identifiers: ClinVar variation 4979537 (VCV004979537.1).

ClinVar aggregate classification (germline): Uncertain significance (1 of 4 stars; one submission).

Conditions:
MCHR1-related disorder. Also called: MCHR1-related condition.

Submission:

PreventionGenetics, part of Exact Sciences
Classification: Uncertain significance for MCHR1-related condition. Last evaluated: 2026-08-13. Review status: criteria provided, single submitter. Criteria: ACMG Guidelines, 2015. Collection method: clinical testing. Allele origin: germline.
Comment: The MCHR1 c.519G>A variant is predicted to result in the amino acid substitution p.Met173Ile. To our knowledge, this variant has not been reported in the literature. This variant is reported in 0.0040% of alleles in individuals of African descent in gnomAD. At this time, the clinical significance of this variant is uncertain due to the absence of conclusive functional and genetic evidence.